The following is an entry in ClinVar:

NM_000322.5(PRPH2):c.595A>G (p.Asn199Asp)

Gene: PRPH2 (peripherin 2; minus strand). Cytogenetic location: 6p21.1.
Variant type: single nucleotide variant.
Coding change: c.595A>G on transcript NM_000322.5 (MANE Select); coding-DNA position 595, A replaced by G.
Protein change: p.Asn199Asp; replaces asparagine 199 with aspartic acid.
Molecular consequence: missense variant.
Genome position (GRCh38, 1-based): chr6:42,704,598, T>C on the plus strand (A>G on the coding strand, the complement: PRPH2 is on the minus strand). VCF-style: chr6-42704598-T-C. GRCh37 (hg19) VCF-style: chr6-42672336-T-C.
Other names: short protein forms N199D.
Identifiers: ClinVar variation 1175219 (VCV001175219.4), dbSNP rs757988141, ClinGen allele CA364135815.

ClinVar aggregate classification (germline): Likely pathogenic. Review status: criteria provided, single submitter (1 of 4 stars). 2 submissions from 2 submitters: Likely pathogenic (1). 1 of the submissions does not count toward it. Last evaluated 2023-06-19.

Conditions:
PRPH2-related disorder. Also called: PRPH2-related disorders; PRPH2-related condition. Identifiers: MedGen CN239395.

Submissions (2):

Labcorp Genetics (formerly Invitae), Labcorp
Classification: Likely pathogenic for PRPH2-related disorder. Last evaluated: 2023-06-19. Review status: criteria provided, single submitter. Criteria: Invitae Variant Classification Sherloc (09022015). Collection method: clinical testing. Allele origin: germline.
Comment: This sequence change replaces asparagine, which is neutral and polar, with aspartic acid, which is acidic and polar, at codon 199 of the PRPH2 protein (p.Asn199Asp). This variant is not present in population databases (gnomAD no frequency). This missense change has been observed in individual(s) with autosomal dominant PRPH2-related conditions (PMID: 21405999; Invitae). In at least one individual the variant was observed to be de novo. ClinVar contains an entry for this variant (Variation ID: 1175219). Advanced modeling of protein sequence and biophysical properties (such as structural, functional, and spatial information, amino acid conservation, physicochemical variation, residue mobility, and thermodynamic stability) has been performed at Invitae for this missense variant, however the output from this modeling did not meet the statistical confidence thresholds required to predict the impact of this variant on PRPH2 protein function. This variant disrupts the p.Asn199 amino acid residue in PRPH2. Other variant(s) that disrupt this residue have been observed in individuals with PRPH2-related conditions (Invitae), which suggests that this may be a clinically significant amino acid residue. In summary, the currently available evidence indicates that the variant is pathogenic, but additional data are needed to prove that conclusively. Therefore, this variant has been classified as Likely Pathogenic.

Leiden Open Variation Database
Classification: Uncertain significance. Last evaluated: 2021-04-06. Review status: no assertion criteria provided. Collection method: curation. Allele origin: germline. Affected: yes. Not counted in ClinVar's aggregate classification.
Comment: Curator: Global Variome, with Curator vacancy. Submitter to LOVD: Manon Peeters.

Literature cited by the submitters: PubMed 21405999 (cited by Labcorp Genetics (formerly Invitae), Labcorp and Leiden Open Variation Database); PubMed 22183351 (cited by Leiden Open Variation Database).